The following is an entry in ClinVar:

NM_000124.4(ERCC6):c.2796T>A (p.Tyr932Ter)

Genes: ERCC6 (ERCC excision repair 6, chromatin remodeling factor; minus strand), LOC126860933 (BRD4-independent group 4 enhancer GRCh37_chr10:50679962-50681161; plus strand). Cytogenetic location: 10q11.23.
Variant type: single nucleotide variant.
Coding change: c.2796T>A on transcript NM_000124.4 (MANE Select); coding-DNA position 2796, T replaced by A.
Protein change: p.Tyr932Ter; replaces tyrosine 932 with a stop codon.
Molecular consequence: nonsense.
Genome position (GRCh38, 1-based): chr10:49,472,942, A>T on the plus strand (T>A on the coding strand, the complement: ERCC6 is on the minus strand). VCF-style: chr10-49472942-A-T. GRCh37 (hg19) VCF-style: chr10-50680988-A-T.
Other names: c.2796T>A, p.Tyr932Ter (NM_001346440.2); short protein forms Y932*.
Identifiers: ClinVar variation 1726639 (VCV001726639.2), dbSNP rs2495980573, ClinGen allele CA376719135.

ClinVar aggregate classification (germline): Likely pathogenic (1 of 4 stars; one submission).

Conditions:
Cockayne syndrome type 2 (CSB). Also called: COCKAYNE SYNDROME B; Cockayne Syndrome, Type II. Identifiers: Orphanet 191, Orphanet 90322, MedGen C0751038, MONDO:0019570, OMIM 133540.

Submission:

Myriad Genetics, Inc.
Classification: Likely pathogenic for Cockayne syndrome type 2. Last evaluated: 2021-12-29. Review status: criteria provided, single submitter. Criteria: Myriad Women's Health Autosomal Recessive and X-Linked Classification Criteria (2021). Collection method: clinical testing. Allele origin: unknown.
Comment: NM_000124.2(ERCC6):c.2796T>A(Y932*) is expected to be pathogenic in the context of ERCC6-related disorders. This variant is predicted to lead to an abnormal or absent protein product due to the creation of a premature termination codon in ERCC6, a gene where loss-of-function variants are known to be pathogenic. Please note: this variant was assessed in the context of healthy population screening.